The following is an entry in ClinVar:

NM_001350162.2(TEX15):c.8860C>G (p.Leu2954Val)

Gene: TEX15 (testis expressed 15, meiosis and synapsis associated; minus strand). Cytogenetic location: 8p12.
Variant type: single nucleotide variant.
Coding change: c.8860C>G on transcript NM_001350162.2 (MANE Select); coding-DNA position 8860, C replaced by G.
Protein change: p.Leu2954Val; replaces leucine 2954 with valine.
Molecular consequence: missense variant.
Genome position (GRCh38, 1-based): chr8:30,837,424, G>C on the plus strand (C>G on the coding strand, the complement: TEX15 is on the minus strand). VCF-style: chr8-30837424-G-C. GRCh37 (hg19) VCF-style: chr8-30694940-G-C.
Other names: c.7711C>G, p.Leu2571Val (NM_031271.3); short protein forms L2571V, L2954V.
Identifiers: ClinVar variation 3040229 (VCV003040229.12), dbSNP rs115952045, ClinGen allele CA4702234.

ClinVar aggregate classification (germline): Likely benign. Review status: criteria provided, single submitter (1 of 4 stars). 2 submissions from 2 submitters: Likely benign (1). 1 of the submissions does not count toward it. Last evaluated 2025-05-01.

Conditions:
TEX15-related disorder. Also called: TEX15-related condition.

Allele frequency attached by ClinVar (database versions not stated): gnomAD exomes 0.00030; ExAC 0.00108; gnomAD 0.00319; TOPMed 0.00371; ESP Exome Variant Server 0.00377; 1000 Genomes Project 30x 0.00390; 1000 Genomes Project 0.00399.
gnomAD v4.1: 945 of 1,614,162 alleles (0.059%); highest among the groups gnomAD compares: African/African-American, 1.1%; 11 homozygotes.

Submissions (2):

CeGaT Center for Human Genetics Tuebingen
Classification: Likely benign. Last evaluated: 2025-05-01. Review status: criteria provided, single submitter. Criteria: CeGaT Center For Human Genetics Tuebingen Variant Classification Criteria Version 2. Collection method: clinical testing. Allele origin: germline. Affected: yes. Observed: 1 variant allele.
Comment: TEX15: BP4, BS1

PreventionGenetics, part of Exact Sciences
Classification: Benign for TEX15-related condition. Last evaluated: 2024-05-15. Review status: no assertion criteria provided. Collection method: clinical testing. Allele origin: germline. Not counted in ClinVar's aggregate classification.
Comment: This variant is classified as benign based on ACMG/AMP sequence variant interpretation guidelines (Richards et al. 2015 PMID: 25741868, with internal and published modifications).